The following is an entry in ClinVar:

ClinVar aggregate classification (germline): Uncertain significance (1 of 4 stars; one submission).

gnomAD v4.1: 1 of 1,614,010 alleles (0.000062%); highest among the groups gnomAD compares: African/African-American, 0.0013%; no homozygotes.

Submission:

GeneDx
Classification: Uncertain significance. Last evaluated: 2024-05-17. Review status: criteria provided, single submitter. Criteria: GeneDx Variant Classification Process June 2021. Collection method: clinical testing. Allele origin: germline. Affected: yes.
Comment: Not observed at significant frequency in large population cohorts (gnomAD); In silico analysis indicates that this missense variant does not alter protein structure/function; Has not been previously published as pathogenic or benign to our knowledge

NM_001114753.3(ENG):c.1669A>G (p.Thr557Ala)

Genes: ENG (endoglin; minus strand), LOC102723566 (uncharacterized LOC102723566; plus strand). Cytogenetic location: 9q34.11.
Variant type: single nucleotide variant.
Coding change: c.1669A>G on transcript NM_001114753.3 (MANE Select); coding-DNA position 1669, A replaced by G.
Protein change: p.Thr557Ala; replaces threonine 557 with alanine.
Molecular consequence: missense variant.
Genome position (GRCh38, 1-based): chr9:127,818,137, T>C on the plus strand (A>G on the coding strand, the complement: ENG is on the minus strand). VCF-style: chr9-127818137-T-C. GRCh37 (hg19) VCF-style: chr9-130580416-T-C.
Other names: c.1669A>G, p.Thr557Ala (NM_000118.4); c.1123A>G, p.Thr375Ala (NM_001278138.2); short protein forms T375A, T557A.
Identifiers: ClinVar variation 3381635 (VCV003381635.1).